The following is an entry in ClinVar:

NM_000053.4(ATP7B):c.3992A>C (p.Tyr1331Ser)

Gene: ATP7B (ATPase copper transporting beta; minus strand). Cytogenetic location: 13q14.3.
Variant type: single nucleotide variant.
Coding change: c.3992A>C on transcript NM_000053.4 (MANE Select); coding-DNA position 3992, A replaced by C.
Protein change: p.Tyr1331Ser; replaces tyrosine 1331 with serine.
Molecular consequence: missense variant.
Genome position (GRCh38, 1-based): chr13:51,937,305, T>G on the plus strand (A>C on the coding strand, the complement: ATP7B is on the minus strand). VCF-style: chr13-51937305-T-G. GRCh37 (hg19) VCF-style: chr13-52511441-T-G.
Other names: c.3371A>C, p.Tyr1124Ser (NM_001005918.3); c.3659A>C, p.Tyr1220Ser (NM_001243182.2); c.3758A>C, p.Tyr1253Ser (NM_001330578.2); c.3740A>C, p.Tyr1247Ser (NM_001330579.2); short protein forms Y1331S, Y1247S, Y1253S, Y1124S, Y1220S.
Identifiers: ClinVar variation 430024 (VCV000430024.7), dbSNP rs1131691741, ClinGen allele CA388020881.

ClinVar aggregate classification (germline): Conflicting classifications of pathogenicity. Review status: criteria provided, conflicting classifications (1 of 4 stars). 4 submissions from 4 submitters: Likely pathogenic (2); Uncertain significance (1). 1 of the submissions does not count toward it. Last evaluated 2025-06-24.

Conditions:
Inborn genetic diseases. Identifiers: MedGen C0950123, MeSH D030342.
Wilson disease (WND). Also called: Wilson's disease. Identifiers: Orphanet 905, MedGen C0019202, MONDO:0010200, OMIM 277900. Disease mechanism: loss of function.

Allele frequency attached by ClinVar (database versions not stated): gnomAD 0.00001; TOPMed 0.00001.
gnomAD v4.1: 11 of 1,614,094 alleles (0.00068%); highest among the groups gnomAD compares: Non-Finnish European, 0.00076%; no homozygotes.

Submissions (4):

Color Diagnostics, LLC DBA Color Health
Classification: Likely pathogenic for Wilson disease. Last evaluated: 2025-06-24. Review status: criteria provided, single submitter. Criteria: ACMG Guidelines, 2015. Collection method: clinical testing. Allele origin: germline.
Comment: This missense variant replaces tyrosine with serine at codon 1331 of the ATP7B protein. This variant alters a conserved tyrosine residue in a transmembrane domain of the ATP7B protein (a.a. 1309 - 1340), a highly conserved region that is considered to be important for ATP7B protein function (PMID: 35245129ClinVar). Computational prediction suggests that this variant may have deleterious impact on protein structure and function. A functional study showed that this variant partially disrupted the ability to protect CHO cells from copper toxicity (Pon et al, 2011). This variant has been observed in individuals affected with autosomal recessive Wilson disease (PMID: 16088907, 23518715, 36096368), indicating that this variant contributes to disease. This variant has not been identified in the general population by the Genome Aggregation Database (gnomAD). Based on the available evidence, this variant is classified as Likely Pathogenic.

Ambry Genetics
Classification: Uncertain significance for Inborn genetic diseases. Last evaluated: 2022-04-13. Review status: criteria provided, single submitter. Criteria: Ambry Variant Classification Scheme 2023. Collection method: clinical testing. Allele origin: germline.

GeneDx
Classification: Likely pathogenic. Last evaluated: 2016-02-24. Review status: criteria provided, single submitter. Criteria: GeneDx Variant Classification (06012015). Collection method: clinical testing. Allele origin: germline. Affected: yes.
Comment: The Y1331S variant in the ATP7B gene has previously been reported in association with Wilson disease, although clinical information on this individual was not provided (Cox et al., 2005). The Y1331S variant is a semi-conservative amino acid substitution, which may impact secondary protein structure as these residues differ in some properties. This substitution occurs at a position that is conserved across species and in silico analysis predicts this variant is probably damaging to the protein structure/function. Missense variants in nearby residues (L1327V, A1328T, L1329P, N1332D/K, V1334D, G1335R, I1336T) have been reported in the Human Gene Mutation Database in association with Wilson disease (Stenson et al., 2014), supporting the functional importance of this region of the protein. Therefore, we interpret Y1331S to be a likely pathogenic variant.

Counsyl
Classification: Uncertain significance for Wilson disease. Last evaluated: 2019-01-23. Review status: no assertion criteria provided. Collection method: clinical testing. Allele origin: unknown. Not counted in ClinVar's aggregate classification.

Literature cited by the submitters: PubMed 16088907 (cited by 3 submitters); PubMed 23518715 (cited by 3 submitters); PubMed 35245129 (cited by Color Diagnostics, LLC DBA Color Health); PubMed 36096368 (cited by Color Diagnostics, LLC DBA Color Health); PubMed 24253677 (cited by Counsyl); PubMed 26206375 (cited by Counsyl); PubMed 22692182 (cited by Counsyl).